The following is an entry in ClinVar:

NM_001252024.2(TRPM1):c.2999T>C (p.Met1000Thr)

Genes: TRPM1 (transient receptor potential cation channel subfamily M member 1; minus strand), TRPM1-AS1 (TRPM1 antisense RNA 1; plus strand). Cytogenetic location: 15q13.3.
Variant type: single nucleotide variant.
Coding change: c.2999T>C on transcript NM_001252024.2 (MANE Select); coding-DNA position 2999, T replaced by C.
Protein change: p.Met1000Thr; replaces methionine 1000 with threonine.
Molecular consequence: missense variant.
Genome position (GRCh38, 1-based): chr15:31,031,111, A>G on the plus strand (T>C on the coding strand, the complement: TRPM1 is on the minus strand). VCF-style: chr15-31031111-A-G. GRCh37 (hg19) VCF-style: chr15-31323314-A-G.
Other names: c.3050T>C, p.Met1017Thr (NM_001252020.2); c.2933T>C, p.Met978Thr (NM_002420.6); short protein forms M978T, M1000T, M1017T.
Identifiers: ClinVar variation 1489235 (VCV001489235.8), dbSNP rs1370233965, ClinGen allele CA391544909.

ClinVar aggregate classification (germline): Uncertain significance (1 of 4 stars; one submission).

Allele frequency attached by ClinVar (database versions not stated): gnomAD exomes below 0.00001.

Submission:

Labcorp Genetics (formerly Invitae), Labcorp
Classification: Uncertain significance. Last evaluated: 2020-11-27. Review status: criteria provided, single submitter. Criteria: Invitae Variant Classification Sherloc (09022015). Collection method: clinical testing. Allele origin: germline.
Comment: In summary, the available evidence is currently insufficient to determine the role of this variant in disease. Therefore, it has been classified as a Variant of Uncertain Significance. Algorithms developed to predict the effect of missense changes on protein structure and function (SIFT, PolyPhen-2, Align-GVGD) all suggest that this variant is likely to be disruptive, but these predictions have not been confirmed by published functional studies and their clinical significance is uncertain. This variant has not been reported in the literature in individuals with TRPM1-related conditions. This variant is not present in population databases (ExAC no frequency). This sequence change replaces methionine with threonine at codon 978 of the TRPM1 protein (p.Met978Thr). The methionine residue is highly conserved and there is a moderate physicochemical difference between methionine and threonine.